The following is an entry in ClinVar:

NM_031844.3(HNRNPU):c.1230T>C (p.Ala410=)

Gene: HNRNPU (heterogeneous nuclear ribonucleoprotein U; minus strand). Cytogenetic location: 1q44.
Variant type: single nucleotide variant.
Coding change: c.1230T>C on transcript NM_031844.3 (MANE Select); coding-DNA position 1230, T replaced by C.
Protein change: p.Ala410=; no amino-acid change (alanine 410 retained).
Molecular consequence: synonymous variant.
Genome position (GRCh38, 1-based): chr1:244,858,729, A>G on the plus strand (T>C on the coding strand, the complement: HNRNPU is on the minus strand). VCF-style: chr1-244858729-A-G. GRCh37 (hg19) VCF-style: chr1-245022031-A-G.
Other names: c.1173T>C, p.Ala391= (NM_004501.3).
Identifiers: ClinVar variation 1915098 (VCV001915098.5), dbSNP rs761812715, ClinGen allele CA1486536.
Genomic context (GRCh38, chr1:244,858,729, plus strand): 5'-AGTTCCTAGATATAGCTACTAACTTTGCCATTTATACATAGAAAGTTAGCTTTAACTTAC[A>G]GCAAAACATGTAATCACATCATTTTCATCAAACTTTTCTCCATAATCTTCAGTCTCACAG-3'
Protein context (NP_114032.2, residues 400-420): FDENDVITCF[Ala410=]NFESDEVELS

ClinVar aggregate classification (germline): Uncertain significance (1 of 4 stars; one submission).

Conditions:
Developmental and epileptic encephalopathy, 54. Also called: HNRNPU-Related Neurodevelopmental Disorder; Epileptic encephalopathy, early infantile, 54. Identifiers: MedGen C4479319, MONDO:0033363, OMIM 617391.

Allele frequency attached by ClinVar (database versions not stated): TOPMed below 0.00001; ExAC 0.00001; gnomAD 0.00001; gnomAD exomes 0.00001.
gnomAD v4.1: 15 of 1,520,204 alleles (0.00099%); highest among the groups gnomAD compares: Admixed American, 0.0017%; no homozygotes.

Submission:

Labcorp Genetics (formerly Invitae), Labcorp
Classification: Uncertain significance for Developmental and epileptic encephalopathy, 54. Last evaluated: 2025-05-08. Review status: criteria provided, single submitter. Criteria: Invitae Variant Classification Sherloc (09022015). Collection method: clinical testing. Allele origin: germline.
Comment: This sequence change affects codon 410 of the HNRNPU mRNA. It is a 'silent' change, meaning that it does not change the encoded amino acid sequence of the HNRNPU protein. It affects a nucleotide within the consensus splice site. This variant is present in population databases (rs761812715, gnomAD 0.002%). This variant has not been reported in the literature in individuals affected with HNRNPU-related conditions. ClinVar contains an entry for this variant (Variation ID: 1915098). Algorithms developed to predict the effect of sequence changes on RNA splicing suggest that this variant is not likely to affect RNA splicing. In summary, the available evidence is currently insufficient to determine the role of this variant in disease. Therefore, it has been classified as a Variant of Uncertain Significance.